The following is an entry in ClinVar:

NM_001105206.3(LAMA4):c.4147G>A (p.Val1383Met)

Gene: LAMA4 (laminin subunit alpha 4; minus strand). Cytogenetic location: 6q21.
Variant type: single nucleotide variant.
Coding change: c.4147G>A on transcript NM_001105206.3 (MANE Select); coding-DNA position 4147, G replaced by A.
Protein change: p.Val1383Met; replaces valine 1383 with methionine.
Molecular consequence: missense variant.
Genome position (GRCh38, 1-based): chr6:112,129,062, C>T on the plus strand (G>A on the coding strand, the complement: LAMA4 is on the minus strand). VCF-style: chr6-112129062-C-T. GRCh37 (hg19) VCF-style: chr6-112450264-C-T.
Other names: c.4126G>A, p.Val1376Met (NM_001105207.3, NM_002290.5); short protein forms V1376M, V1383M.
Identifiers: ClinVar variation 4742681 (VCV004742681.1).

ClinVar aggregate classification (germline): Uncertain significance (1 of 4 stars; one submission).

Conditions:
Dilated cardiomyopathy 1JJ (CMD1JJ). Identifiers: Orphanet 154, MedGen C3808935, MONDO:0014095, OMIM 615235.

Submission:

Labcorp Genetics (formerly Invitae), Labcorp
Classification: Uncertain significance for Dilated cardiomyopathy 1JJ. Last evaluated: 2025-09-08. Review status: criteria provided, single submitter. Criteria: Invitae Variant Classification Sherloc (09022015). Collection method: clinical testing. Allele origin: germline.
Comment: This sequence change replaces valine, which is neutral and non-polar, with methionine, which is neutral and non-polar, at codon 1376 of the LAMA4 protein (p.Val1376Met). This variant is not present in population databases (gnomAD no frequency). This variant has not been reported in the literature in individuals affected with LAMA4-related conditions. Invitae Evidence Modeling of protein sequence and biophysical properties (such as structural, functional, and spatial information, amino acid conservation, physicochemical variation, residue mobility, and thermodynamic stability) indicates that this missense variant is expected to disrupt LAMA4 protein function with a positive predictive value of 80%. In summary, the available evidence is currently insufficient to determine the role of this variant in disease. Therefore, it has been classified as a Variant of Uncertain Significance.